The following is an entry in ClinVar:

ClinVar aggregate classification (germline): Pathogenic. Review status: criteria provided, multiple submitters, no conflicts (2 of 4 stars). 5 submissions from 5 submitters: Pathogenic (5). Last evaluated 2025-04-10.

Conditions:
Hereditary cancer-predisposing syndrome. Also called: Tumor predisposition; Hereditary neoplastic syndrome; Neoplastic Syndromes, Hereditary; Hereditary Cancer Syndrome. Identifiers: Orphanet 140162, MedGen C0027672, MeSH D009386, MONDO:0015356.
Familial cancer of breast. Also called: Hereditary breast cancer; hereditary breast carcinoma; BREAST CANCER, FAMILIAL. Identifiers: Orphanet 227535, MedGen C0346153, MONDO:0016419, OMIM 114480. Disease mechanism: loss of function.

Submissions (5):

Quest Diagnostics Nichols Institute San Juan Capistrano
Classification: Pathogenic. Last evaluated: 2025-04-10. Review status: criteria provided, single submitter. Criteria: Quest Diagnostics criteria. Collection method: clinical testing. Allele origin: unknown.
Comment: The CHEK2 c.222del (p.Pro75Leufs*35) variant alters the translational reading frame of the CHEK2 mRNA and causes the premature termination of CHEK2 protein synthesis. This variant has been reported in the published literature in in individuals with breast cancer (PMID: 33925588 (2021)). This variant has not been reported in large, multi-ethnic general populations (Genome Aggregation Database). Based on the available information, this variant is classified as pathogenic.

Ambry Genetics
Classification: Pathogenic for Hereditary cancer-predisposing syndrome. Last evaluated: 2024-07-24. Review status: criteria provided, single submitter. Criteria: Ambry Variant Classification Scheme 2023. Collection method: clinical testing. Allele origin: germline.
Comment: The c.222delT pathogenic mutation, located in coding exon 1 of the CHEK2 gene, results from a deletion of one nucleotide at nucleotide position 222, causing a translational frameshift with a predicted alternate stop codon (p.P75Lfs*35). This variant is considered to be rare based on population cohorts in the Genome Aggregation Database (gnomAD). This alteration is expected to result in loss of function by premature protein truncation or nonsense-mediated mRNA decay. As such, this alteration is interpreted as a disease-causing mutation.

Color Diagnostics, LLC DBA Color Health
Classification: Pathogenic for Hereditary cancer-predisposing syndrome. Last evaluated: 2024-03-25. Review status: criteria provided, single submitter. Criteria: ACMG Guidelines, 2015. Collection method: clinical testing. Allele origin: germline.
Comment: This variant deletes 1 nucleotide in exon 2 of the CHEK2 gene, creating a frameshift and premature translation stop signal. This variant is expected to result in an absent or non-functional protein product. This variant has been reported in individuals affected with breast cancer (PMID: 33925588; Color internal data). This variant has not been identified in the general population by the Genome Aggregation Database (gnomAD). Loss of CHEK2 function is a known mechanism of disease. Based on the available evidence, this variant is classified as Pathogenic.

Myriad Genetics, Inc.
Classification: Pathogenic for Familial cancer of breast. Last evaluated: 2023-06-23. Review status: criteria provided, single submitter. Criteria: Myriad Autosomal Dominant, Autosomal Recessive and X-Linked Classification Criteria (2023). Collection method: clinical testing. Allele origin: unknown.
Comment: This variant is considered pathogenic. This variant creates a frameshift predicted to result in premature protein truncation.

Labcorp Genetics (formerly Invitae), Labcorp
Classification: Pathogenic for Familial cancer of breast. Last evaluated: 2022-10-05. Review status: criteria provided, single submitter. Criteria: Invitae Variant Classification Sherloc (09022015). Collection method: clinical testing. Allele origin: germline.
Comment: For these reasons, this variant has been classified as Pathogenic. ClinVar contains an entry for this variant (Variation ID: 1071738). This sequence change creates a premature translational stop signal (p.Pro75Leufs*35) in the CHEK2 gene. It is expected to result in an absent or disrupted protein product. Loss-of-function variants in CHEK2 are known to be pathogenic (PMID: 21876083, 24713400). This variant is not present in population databases (gnomAD no frequency). This variant has not been reported in the literature in individuals affected with CHEK2-related conditions.

Literature cited by the submitters: PubMed 33925588 (cited by Quest Diagnostics Nichols Institute San Juan Capistrano and Color Diagnostics, LLC DBA Color Health); PubMed 21876083 (cited by Labcorp Genetics (formerly Invitae), Labcorp); PubMed 24713400 (cited by Labcorp Genetics (formerly Invitae), Labcorp).

NM_007194.4(CHEK2):c.222del (p.Pro75fs)

Gene: CHEK2 (checkpoint kinase 2; minus strand). Cytogenetic location: 22q12.1.
Variant type: Deletion.
Coding change: c.222del on transcript NM_007194.4 (MANE Select); coding-DNA position 222, one base deleted (T; older notation c.222delT).
Protein change: p.Pro75fs; shifts the reading frame from proline 75.
Molecular consequence: frameshift variant.
Genome position (GRCh38, 1-based): chr22:28,734,500, A deleted on the plus strand (T on the coding strand, the reverse complement: CHEK2 is on the minus strand); the first of 2 consecutive A bases (chr22:28,734,500-28,734,501); deleting either gives the same sequence. VCF-style (leftmost placement, unchanged base first): chr22-28734499-GA-G. GRCh37 (hg19) VCF-style: chr22-29130487-GA-G.
Other names: c.222del (NM_007194.3); c.221delT, p.Pro75Leufs (NM_001005735.3, NM_001349956.3, NM_145862.3); c.-557delT (NM_001257387.3); short protein forms P75fs.
Identifiers: ClinVar variation 1071738 (VCV001071738.11), dbSNP rs2146147030, ClinGen allele CA2499226106.
Genomic context (GRCh38, chr22:28,734,499, plus strand): 5'-GAGCCCAGGGGGCAGGGGTAGGCTCCTCAGGTTCTTGGTCCTCAGGTTCTTGGTCCTCAG[GA>G]ATAGAATAGAGTTCCTGAGTGGACACTGTCTCTAAGGAGCTCAGTGTCCCAGAGCTGGAG-3'